The following is an entry in ClinVar:

ClinVar aggregate classification (germline): Uncertain significance. Review status: criteria provided, single submitter (1 of 4 stars). 2 submissions from 2 submitters: Uncertain significance (1). 1 of the submissions does not count toward it. Last evaluated 2018-09-05.

Conditions:
Bloom syndrome (BLM). Also called: Bloom-Torre-Machacek syndrome. Identifiers: Orphanet 125, MedGen C0005859, MONDO:0008876, OMIM 210900.

Submissions (2):

Labcorp Genetics (formerly Invitae), Labcorp
Classification: Uncertain significance for Bloom syndrome. Last evaluated: 2018-09-05. Review status: criteria provided, single submitter. Criteria: Invitae Variant Classification Sherloc (09022015). Collection method: clinical testing. Allele origin: germline.
Comment: This sequence change replaces isoleucine with methionine at codon 1299 of the BLM protein (p.Ile1299Met). The isoleucine residue is weakly conserved and there is a small physicochemical difference between isoleucine and methionine. This variant is not present in population databases (ExAC no frequency). This variant has not been reported in the literature in individuals with BLM-related disease. Algorithms developed to predict the effect of missense changes on protein structure and function output the following: SIFT: "Tolerated"; PolyPhen-2: "Benign"; Align-GVGD: "Class C0". The methionine amino acid residue is found in multiple mammalian species, suggesting that this missense change does not adversely affect protein function. These predictions have not been confirmed by published functional studies and their clinical significance is uncertain. In summary, the available evidence is currently insufficient to determine the role of this variant in disease. Therefore, it has been classified as a Variant of Uncertain Significance.

Natera, Inc.
Classification: Uncertain significance for Bloom syndrome. Last evaluated: 2020-09-16. Review status: no assertion criteria provided. Collection method: clinical testing. Allele origin: germline. Not counted in ClinVar's aggregate classification.

NM_000057.4(BLM):c.3897A>G (p.Ile1299Met)

Gene: BLM (BLM RecQ like helicase; plus strand). Cytogenetic location: 15q26.1.
Variant type: single nucleotide variant.
Coding change: c.3897A>G on transcript NM_000057.4 (MANE Select); coding-DNA position 3897, A replaced by G.
Protein change: p.Ile1299Met; replaces isoleucine 1299 with methionine.
Molecular consequence: missense variant.
Genome position (GRCh38, 1-based): chr15:90,811,227, A>G. VCF-style: chr15-90811227-A-G. GRCh37 (hg19) VCF-style: chr15-91354457-A-G.
Other names: c.3897A>G, p.Ile1299Met (NM_001287246.2); c.3504A>G, p.Ile1168Met (NM_001287247.2); c.2772A>G, p.Ile924Met (NM_001287248.2); short protein forms I1299M, I924M, I1168M.
Identifiers: ClinVar variation 646291 (VCV000646291.2), dbSNP rs1596273455, ClinGen allele CA393850463.